The following is an entry in ClinVar:

ClinVar aggregate classification (germline): Likely benign. Review status: criteria provided, multiple submitters, no conflicts (2 of 4 stars). 2 submissions from 2 submitters: Likely benign (2). Last evaluated 2026-04-01.

Conditions:
FG syndrome (FGS). Identifiers: MedGen C0220769, MONDO:0002010.

Allele frequency attached by ClinVar (database versions not stated): gnomAD exomes below 0.00001 and 0.00001.
gnomAD v4.1: 4 of 1,212,020 alleles (0.00033%); highest among the groups gnomAD compares: Non-Finnish European, 0.00045%; no homozygotes.

Submissions (2):

CeGaT Center for Human Genetics Tuebingen
Classification: Likely benign. Last evaluated: 2026-04-01. Review status: criteria provided, single submitter. Criteria: CeGaT Center For Human Genetics Tuebingen Variant Classification Criteria Version 2. Collection method: clinical testing. Allele origin: germline. Affected: yes. Observed: 1 variant allele.
Comment: MED12: BP4, BP7

Labcorp Genetics (formerly Invitae), Labcorp
Classification: Likely benign for FG syndrome. Last evaluated: 2025-10-26. Review status: criteria provided, single submitter. Criteria: Invitae Variant Classification Sherloc (09022015). Collection method: clinical testing. Allele origin: germline.

NM_005120.3(MED12):c.5013C>T (p.Ile1671=)

Gene: MED12 (mediator complex subunit 12; plus strand). Cytogenetic location: Xq13.1.
Variant type: single nucleotide variant.
Coding change: c.5013C>T on transcript NM_005120.3 (MANE Select); coding-DNA position 5013, C replaced by T.
Protein change: p.Ile1671=; no amino-acid change (isoleucine 1671 retained).
Molecular consequence: synonymous variant.
Genome position (GRCh38, 1-based): chrX:71,135,241, C>T. VCF-style: chrX-71135241-C-T. GRCh37 (hg19) VCF-style: chrX-70355091-C-T.
Identifiers: ClinVar variation 1409587 (VCV001409587.12), dbSNP rs1569482185, ClinGen allele CA516726957.
Genomic context (GRCh38, chrX:71,135,241, plus strand): 5'-TGAGCCACAGGGCTCCCTTATCGATACCAAGGGCAACAAGATTGCTGGCTTCGATTCCAT[C>T]TTCAAGAAGGAGGCATGTTCCATTGTCTGCCCGTGTCCCTTGCCTTTTTTCCCCTTTGGG-3'
Protein context (NP_005111.2, residues 1661-1681): KGNKIAGFDS[Ile1671=]FKKEGLQVST